The following is an entry in ClinVar:

NM_024675.4(PALB2):c.1854C>A (p.Asp618Glu)

Gene: PALB2 (partner and localizer of BRCA2; minus strand). Cytogenetic location: 16p12.2.
Variant type: single nucleotide variant.
Coding change: c.1854C>A on transcript NM_024675.4 (MANE Select); coding-DNA position 1854, C replaced by A.
Protein change: p.Asp618Glu; replaces aspartic acid 618 with glutamic acid.
Molecular consequence: missense variant. On other transcripts: intron variant (1).
Genome position (GRCh38, 1-based): chr16:23,630,300, G>T on the plus strand (C>A on the coding strand, the complement: PALB2 is on the minus strand). VCF-style: chr16-23630300-G-T. GRCh37 (hg19) VCF-style: chr16-23641621-G-T.
Other names: c.1794C>A, p.Asp598Glu (NM_001407296.1); c.1854C>A, p.Asp618Glu (NM_001407297.1, NM_001407298.1, NM_001407299.1 and 3 more transcripts); c.969C>A, p.Asp323Glu (NM_001407304.1, NM_001407305.1, NM_001407306.1 and 5 more transcripts); c.66C>A, p.Asp22Glu (NM_001407312.1, NM_001407313.1); c.49-1025C>A (NM_001407314.1); short protein forms D22E, D598E, D618E, D323E.
Identifiers: ClinVar variation 2567592 (VCV002567592.2), dbSNP rs2142387653, ClinGen allele CA395127777.

ClinVar aggregate classification (germline): Uncertain significance (1 of 4 stars; one submission).

Conditions:
Hereditary cancer-predisposing syndrome. Also called: Hereditary neoplastic syndrome; Hereditary Cancer Syndrome; Neoplastic Syndromes, Hereditary; Tumor predisposition. Identifiers: Orphanet 140162, MedGen C0027672, MeSH D009386, MONDO:0015356.

Submission:

Ambry Genetics
Classification: Uncertain significance for Hereditary cancer-predisposing syndrome. Last evaluated: 2023-05-31. Review status: criteria provided, single submitter. Criteria: Ambry Variant Classification Scheme 2023. Collection method: clinical testing. Allele origin: germline.
Comment: The p.D618E variant (also known as c.1854C>A), located in coding exon 5 of the PALB2 gene, results from a C to A substitution at nucleotide position 1854. The aspartic acid at codon 618 is replaced by glutamic acid, an amino acid with highly similar properties. This amino acid position is conserved. In addition, this alteration is predicted to be tolerated by in silico analysis. Since supporting evidence is limited at this time, the clinical significance of this alteration remains unclear.